The following is an entry in ClinVar:

ClinVar aggregate classification (germline): Uncertain significance (1 of 4 stars; one submission).

Allele frequency attached by ClinVar (database versions not stated): ExAC 0.00001; gnomAD exomes 0.00001.
gnomAD v4.1: 17 of 1,614,192 alleles (0.0011%); highest among the groups gnomAD compares: East Asian, 0.029%; no homozygotes.

Submission:

Labcorp Genetics (formerly Invitae), Labcorp
Classification: Uncertain significance. Last evaluated: 2025-11-17. Review status: criteria provided, single submitter. Criteria: Invitae Variant Classification Sherloc (09022015). Collection method: clinical testing. Allele origin: germline.
Comment: This sequence change replaces threonine, which is neutral and polar, with isoleucine, which is neutral and non-polar, at codon 464 of the VCAN protein (p.Thr464Ile). This variant is present in population databases (rs747793450, gnomAD 0.003%). This variant has not been reported in the literature in individuals affected with VCAN-related conditions. ClinVar contains an entry for this variant (Variation ID: 1482948). An algorithm developed to predict the effect of missense changes on protein structure and function (PolyPhen-2) suggests that this variant is likely to be tolerated. In summary, the available evidence is currently insufficient to determine the role of this variant in disease. Therefore, it has been classified as a Variant of Uncertain Significance.

NM_004385.5(VCAN):c.1391C>T (p.Thr464Ile)

Gene: VCAN (versican; plus strand). Cytogenetic location: 5q14.3.
Variant type: single nucleotide variant.
Coding change: c.1391C>T on transcript NM_004385.5 (MANE Select); coding-DNA position 1391, C replaced by T.
Protein change: p.Thr464Ile; replaces threonine 464 with isoleucine.
Molecular consequence: missense variant. On other transcripts: intron variant (2).
Genome position (GRCh38, 1-based): chr5:83,519,697, C>T. VCF-style: chr5-83519697-C-T. GRCh37 (hg19) VCF-style: chr5-82815516-C-T.
Other names: c.1391C>T, p.Thr464Ile (NM_001164098.2); c.1042+7301C>T (NM_001164097.2, NM_001126336.3); short protein forms T464I.
Identifiers: ClinVar variation 1482948 (VCV001482948.8), dbSNP rs747793450, ClinGen allele CA3332661.